The following is an entry in ClinVar:

ClinVar aggregate classification (germline): Uncertain significance (1 of 4 stars; one submission).

Conditions:
Inborn genetic diseases. Identifiers: MedGen C0950123, MeSH D030342.

Allele frequency attached by ClinVar (database versions not stated): TOPMed below 0.00001; gnomAD exomes 0.00002.
gnomAD v4.1: 34 of 1,611,822 alleles (0.0021%); highest among the groups gnomAD compares: Middle Eastern, 0.017%; no homozygotes.

Submission:

Ambry Genetics
Classification: Uncertain significance for Inborn genetic diseases. Last evaluated: 2022-08-10. Review status: criteria provided, single submitter. Criteria: Ambry Variant Classification Scheme 2023. Collection method: clinical testing. Allele origin: germline.
Comment: The p.N4656S variant (also known as c.13967A>G), located in coding exon 77 of the DST gene, results from an A to G substitution at nucleotide position 13967. The asparagine at codon 4656 is replaced by serine, an amino acid with highly similar properties. This amino acid position is highly conserved in available vertebrate species. In addition, this alteration is predicted to be tolerated by in silico analysis. Since supporting evidence is limited at this time, the clinical significance of this alteration remains unclear.

NM_001374736.1(DST):c.20324A>G (p.Asn6775Ser)

Gene: DST (dystonin; minus strand). Cytogenetic location: 6p12.1.
Variant type: single nucleotide variant.
Coding change: c.20324A>G on transcript NM_001374736.1 (MANE Select); coding-DNA position 20324, A replaced by G.
Protein change: p.Asn6775Ser; replaces asparagine 6775 with serine.
Molecular consequence: missense variant.
Genome position (GRCh38, 1-based): chr6:56,494,080, T>C on the plus strand (A>G on the coding strand, the complement: DST is on the minus strand). VCF-style: chr6-56494080-T-C. GRCh37 (hg19) VCF-style: chr6-56358878-T-C.
Other names: c.13967A>G, p.Asn4656Ser (NM_001144769.5); c.13553A>G, p.Asn4518Ser (NM_001144770.2); c.20324A>G, p.Asn6775Ser (NM_001374722.1); c.19364A>G, p.Asn6455Ser (NM_001374729.1); c.13106A>G, p.Asn4369Ser (NM_001374730.1); c.20351A>G, p.Asn6784Ser (NM_001374734.1); c.13433A>G, p.Asn4478Ser (NM_001386100.1, NM_183380.4); c.12455A>G, p.Asn4152Ser (NM_015548.5); short protein forms N4478S, N4656S, N4152S, N4518S, N6455S, N6784S, N4369S, N6775S.
Identifiers: ClinVar variation 1771639 (VCV001771639.2), dbSNP rs538004622, ClinGen allele CA3866779.